The following is an entry in ClinVar:

ClinVar aggregate classification (germline): Conflicting classifications of pathogenicity. Review status: criteria provided, conflicting classifications (1 of 4 stars). 2 submissions from 2 submitters: Likely pathogenic (1); Uncertain significance (1). Last evaluated 2025-06-24.

Allele frequency attached by ClinVar (database versions not stated): TOPMed below 0.00001.

Submissions (2):

GeneDx
Classification: Likely pathogenic. Last evaluated: 2025-06-24. Review status: criteria provided, single submitter. Criteria: GeneDx Variant Classification Process June 2021. Collection method: clinical testing. Allele origin: germline. Affected: yes.
Comment: Not observed at significant frequency in large population cohorts (gnomAD); In silico analysis supports that this missense variant has a deleterious effect on protein structure/function; Has not been previously published as pathogenic or benign to our knowledge

Labcorp Genetics (formerly Invitae), Labcorp
Classification: Uncertain significance. Last evaluated: 2022-09-06. Review status: criteria provided, single submitter. Criteria: Invitae Variant Classification Sherloc (09022015). Collection method: clinical testing. Allele origin: germline.
Comment: In summary, the available evidence is currently insufficient to determine the role of this variant in disease. Therefore, it has been classified as a Variant of Uncertain Significance. Algorithms developed to predict the effect of missense changes on protein structure and function are either unavailable or do not agree on the potential impact of this missense change (SIFT: "Deleterious"; PolyPhen-2: "Possibly Damaging"; Align-GVGD: "Class C0"). ClinVar contains an entry for this variant (Variation ID: 1404105). This variant has not been reported in the literature in individuals affected with TK2-related conditions. This variant is not present in population databases (gnomAD no frequency). This sequence change replaces valine, which is neutral and non-polar, with alanine, which is neutral and non-polar, at codon 83 of the TK2 protein (p.Val83Ala).

NM_004614.5(TK2):c.248T>C (p.Val83Ala)

Gene: TK2 (thymidine kinase 2; minus strand). Cytogenetic location: 16q21.
Variant type: single nucleotide variant.
Coding change: c.248T>C on transcript NM_004614.5 (MANE Select); coding-DNA position 248, T replaced by C.
Protein change: p.Val83Ala; replaces valine 83 with alanine.
Molecular consequence: missense variant. On other transcripts: 5 prime UTR variant (1), non-coding transcript variant (1), intron variant (1).
Genome position (GRCh38, 1-based): chr16:66,537,001, A>G on the plus strand (T>C on the coding strand, the complement: TK2 is on the minus strand). VCF-style: chr16-66537001-A-G. GRCh37 (hg19) VCF-style: chr16-66570904-A-G.
Other names: c.155T>C, p.Val52Ala (NM_001172643.1, NM_001271935.1); c.173T>C, p.Val58Ala (NM_001172644.2); c.101T>C, p.Val34Ala (NM_001271934.2); c.-44T>C (NM_001272050.2); c.231+4878T>C (NM_001172645.2); c.248T>C (NM_004614.4); short protein forms V34A, V83A, V52A, V58A.
Identifiers: ClinVar variation 1404105 (VCV001404105.7), dbSNP rs1965305721, ClinGen allele CA396191708.